The following is an entry in ClinVar:

ClinVar aggregate classification (germline): Uncertain significance (1 of 4 stars; one submission).

Submission:

Labcorp Genetics (formerly Invitae), Labcorp
Classification: Uncertain significance. Last evaluated: 2025-05-29. Review status: criteria provided, single submitter. Criteria: Invitae Variant Classification Sherloc (09022015). Collection method: clinical testing. Allele origin: germline.
Comment: This sequence change replaces valine, which is neutral and non-polar, with isoleucine, which is neutral and non-polar, at codon 30 of the OR2W3 protein (p.Val30Ile). This variant is not present in population databases (gnomAD no frequency). This variant has not been reported in the literature in individuals affected with OR2W3-related conditions. ClinVar contains an entry for this variant (Variation ID: 2769433). An algorithm developed to predict the effect of missense changes on protein structure and function outputs the following: PolyPhen-2: "Benign". The isoleucine amino acid residue is found in multiple mammalian species, which suggests that this missense change does not adversely affect protein function. In summary, the available evidence is currently insufficient to determine the role of this variant in disease. Therefore, it has been classified as a Variant of Uncertain Significance.

NM_001001957.2(OR2W3):c.88G>A (p.Val30Ile)

Gene: OR2W3 (olfactory receptor family 2 subfamily W member 3; plus strand). Cytogenetic location: 1q44.
Variant type: single nucleotide variant.
Coding change: c.88G>A on transcript NM_001001957.2 (MANE Select); coding-DNA position 88, G replaced by A.
Protein change: p.Val30Ile; replaces valine 30 with isoleucine.
Molecular consequence: missense variant.
Genome position (GRCh38, 1-based): chr1:247,895,674, G>A. VCF-style: chr1-247895674-G-A. GRCh37 (hg19) VCF-style: chr1-248058976-G-A.
Other names: short protein forms V30I.
Identifiers: ClinVar variation 2769433 (VCV002769433.3), dbSNP rs2527687069, ClinGen allele CA345591123.
Genomic context (GRCh38, chr1:247,895,674, plus strand): 5'-ACCCATTTCATCCTACTGGGATTCTCTGACCGACCCCATCTGGAGAGGATCCTCTTTGTG[G>A]TCATCCTGATCGCGTACCTCCTGACCCTCGTAGGCAACACCACCATCATCCTGGTGTCCC-3'
Protein context (NP_001001957.2, residues 20-40): RPHLERILFV[Val30Ile]ILIAYLLTLV